The following is an entry in ClinVar:

ClinVar aggregate classification (germline): Likely benign. Review status: criteria provided, multiple submitters, no conflicts (2 of 4 stars). 2 submissions from 2 submitters: Likely benign (2). Last evaluated 2026-08-21.

Conditions:
Brown-Vialetto-van Laere syndrome 2. Also called: Riboflavin transporter deficiency type 2; SPINOCEREBELLAR ATAXIA WITH BLINDNESS AND DEAFNESS 2. Identifiers: Orphanet 572543, Orphanet 97229, MedGen C3553538, MONDO:0013867, OMIM 614707.
SLC52A2-related disorder. Also called: SLC52A2-related condition.

Allele frequency attached by ClinVar (database versions not stated): TOPMed 0.00001; ExAC 0.00014; gnomAD exomes 0.00013.

Submissions (2):

PreventionGenetics, part of Exact Sciences
Classification: Likely benign for SLC52A2-related condition. Last evaluated: 2026-08-21. Review status: criteria provided, single submitter. Criteria: ACMG Guidelines, 2015. Collection method: clinical testing. Allele origin: germline.
Comment: This variant is classified as likely benign based on ACMG/AMP sequence variant interpretation guidelines (Richards et al. 2015 PMID: 25741868, with internal and published modifications).

Labcorp Genetics (formerly Invitae), Labcorp
Classification: Likely benign for Brown-Vialetto-van Laere syndrome 2. Last evaluated: 2025-11-23. Review status: criteria provided, single submitter. Criteria: Invitae Variant Classification Sherloc (09022015). Collection method: clinical testing. Allele origin: germline.

NM_001363118.2(SLC52A2):c.540C>A (p.Thr180=)

Gene: SLC52A2 (solute carrier family 52 member 2; plus strand). Cytogenetic location: 8q24.3.
Variant type: single nucleotide variant.
Coding change: c.540C>A on transcript NM_001363118.2 (MANE Select); coding-DNA position 540, C replaced by A.
Protein change: p.Thr180=; no amino-acid change (threonine 180 retained).
Molecular consequence: synonymous variant. On other transcripts: non-coding transcript variant (1), intron variant (1).
Genome position (GRCh38, 1-based): chr8:144,360,032, C>A. VCF-style: chr8-144360032-C-A. GRCh37 (hg19) VCF-style: chr8-145583692-C-A.
Other names: c.540C>A (NM_001253816.1); c.540C>A, p.Thr180= (NM_001253815.2, NM_001253816.2, NM_001363120.2 and 2 more transcripts); c.131-83C>A (NM_001363122.2).
Identifiers: ClinVar variation 1080898 (VCV001080898.8), dbSNP rs782708300, ClinGen allele CA4938213.